The following is an entry in ClinVar:

ClinVar aggregate classification (germline): Uncertain significance (1 of 4 stars; one submission).

Conditions:
FG syndrome (FGS). Identifiers: MedGen C0220769, MONDO:0002010.

Submission:

Labcorp Genetics (formerly Invitae), Labcorp
Classification: Uncertain significance for FG syndrome. Last evaluated: 2019-10-24. Review status: criteria provided, single submitter. Criteria: Invitae Variant Classification Sherloc (09022015). Collection method: clinical testing. Allele origin: germline.
Comment: This variant has not been reported in the literature in individuals with MED12-related conditions. Experimental studies and prediction algorithms are not available or were not evaluated, and the functional significance of this variant is currently unknown. This variant is not present in population databases (ExAC no frequency). This variant, c.6300_6314dup, results in the insertion of 5 amino acid(s) to the MED12 protein (p.Gln2111_Gln2115dup), but otherwise preserves the integrity of the reading frame. In summary, the available evidence is currently insufficient to determine the role of this variant in disease. Therefore, it has been classified as a Variant of Uncertain Significance.

NM_005120.3(MED12):c.6300_6314dup (p.Gln2111_Gln2115dup)

Gene: MED12 (mediator complex subunit 12; plus strand). Cytogenetic location: Xq13.1.
Variant type: Duplication.
Coding change: c.6300_6314dup on transcript NM_005120.3 (MANE Select); coding-DNA positions 6300 to 6314, 15 bases duplicated (GCAGCAGCAACAGCA).
Protein change: p.Gln2111_Gln2115dup.
Molecular consequence: inframe insertion.
Genome position (GRCh38, 1-based): chrX:71,141,262-71,141,276, GCAGCAGCAACAGCA duplicated; duplicating any 15 consecutive bases within chrX:71,141,257-71,141,276 gives the same sequence; the c. name uses the placement nearest the transcript's 3' end. VCF-style (leftmost placement, unchanged base first): chrX-71141256-G-GCAGCAGCAGCAGCAA. GRCh37 (hg19) VCF-style: chrX-70361106-G-GCAGCAGCAGCAGCAA.
Identifiers: ClinVar variation 970045 (VCV000970045.10), dbSNP rs2092346839, ClinGen allele CA1139667626.